The following is an entry in ClinVar:

ClinVar aggregate classification (germline): Conflicting classifications of pathogenicity. Review status: criteria provided, conflicting classifications (1 of 4 stars). 8 submissions from 8 submitters: Pathogenic (2); Likely pathogenic (3); Uncertain significance (2). 1 of the submissions does not count toward it. Last evaluated 2025-02-17.

Conditions:
Retinitis pigmentosa (RP). Identifiers: Orphanet 791, MedGen C0035334, MeSH D012174, MONDO:0019200, OMIM 268000. Inheritance: Autosomal dominant, autosomal recessive and X linked inheritance.
EYS-related disorder. Also called: EYS-related condition.
Retinal dystrophy. Also called: Inherited retinal dystrophy. Identifiers: Orphanet 71862, MedGen C0854723, MeSH D058499, MONDO:0019118, HP:0000556.
Retinitis pigmentosa 25 (RP25). Identifiers: Orphanet 791, MedGen C1864446, MONDO:0011272, OMIM 602772.

Allele frequency attached by ClinVar (database versions not stated): TOPMed below 0.00001; gnomAD exomes 0.00001.
gnomAD v4.1: 10 of 1,551,122 alleles (0.00064%); highest among the groups gnomAD compares: Non-Finnish European, 0.00087%; no homozygotes.

Submissions (8):

Labcorp Genetics (formerly Invitae), Labcorp
Classification: Pathogenic. Last evaluated: 2025-02-17. Review status: criteria provided, single submitter. Criteria: Invitae Variant Classification Sherloc (09022015). Collection method: clinical testing. Allele origin: germline.
Comment: This sequence change replaces alanine, which is neutral and non-polar, with proline, which is neutral and non-polar, at codon 2736 of the EYS protein (p.Ala2736Pro). This variant is present in population databases (no rsID available, gnomAD 0.002%). This missense change has been observed in individual(s) with retinitis pigmentosa (PMID: 27353947, 31213501, 32037395, 37734845; internal data). In at least one individual the data is consistent with being in trans (on the opposite chromosome) from a pathogenic variant. This variant is also known as c.8269G>C (p.Ala2757Pro) . ClinVar contains an entry for this variant (Variation ID: 867109). Invitae Evidence Modeling of protein sequence and biophysical properties (such as structural, functional, and spatial information, amino acid conservation, physicochemical variation, residue mobility, and thermodynamic stability) indicates that this missense variant is not expected to disrupt EYS protein function with a negative predictive value of 80%. For these reasons, this variant has been classified as Pathogenic.

GeneDx
Classification: Uncertain significance. Last evaluated: 2023-12-12. Review status: criteria provided, single submitter. Criteria: GeneDx Variant Classification Process June 2021. Collection method: clinical testing. Allele origin: germline. Affected: yes.
Comment: Not observed at significant frequency in large population cohorts (gnomAD); In silico analysis supports that this missense variant does not alter protein structure/function; This variant is associated with the following publications: (PMID: 20333770, 31213501, 27353947, 36284460, 32037395)

Dept Of Ophthalmology, Nagoya University
Classification: Uncertain significance for Retinal dystrophy. Last evaluated: 2023-10-01. Review status: criteria provided, single submitter. Criteria: Submitter's publication. Collection method: research. Allele origin: germline. Affected: yes.

Women's Health and Genetics/Laboratory Corporation of America, LabCorp
Classification: Likely pathogenic for Retinitis pigmentosa. Last evaluated: 2023-06-15. Review status: criteria provided, single submitter. Criteria: LabCorp Variant Classification Summary - May 2015. Collection method: clinical testing. Allele origin: germline.
Comment: Variant summary: EYS c.8206G>C (p.Ala2736Pro) results in a non-conservative amino acid change located in the laminin G domain (IPR001791) of the encoded protein sequence. Four of five in-silico tools predict a benign effect of the variant on protein function. The variant allele was found at a frequency of 6.5e-06 in 153340 control chromosomes (gnomAD). c.8206G>C has been reported in the literature as a biallelic genotype in at least four individuals affected with autosomal recessive Retinitis Pigmentosa (e.g. Audo_2010, Tiwari_2016, Koyanagi_2019, Zampaglione_2020, Suga_2022). These data indicate that the variant is likely to be associated with disease. To our knowledge, no experimental evidence demonstrating an impact on protein function has been reported. The following publications have been ascertained in the context of this evaluation (PMID: 20333770, 31213501, 36284460, 27353947, 32037395). Four clinical diagnostic laboratories have submitted clinical-significance assessments for this variant to ClinVar after 2014 and classified the variant as either VUS (n=3) or likely pathogenic (n=1). Based on the evidence outlined above, the variant was classified as likely pathogenic.

Blueprint Genetics
Classification: Pathogenic for EYS-related disorders. Last evaluated: 2022-10-06. Review status: criteria provided, single submitter. Criteria: ACMG Guidelines, 2015. Collection method: clinical testing. Allele origin: germline. Affected: yes. Observed: 5 variant alleles.

CeGaT Center for Human Genetics Tuebingen
Classification: Likely pathogenic. Last evaluated: 2022-08-01. Review status: criteria provided, single submitter. Criteria: CeGaT Center For Human Genetics Tuebingen Variant Classification Criteria Version 2. Collection method: clinical testing. Allele origin: germline. Affected: yes. Observed: 1 variant allele.
Comment: EYS: PM3:Strong, PM2, PP4, BP4

Institute of Human Genetics, Univ. Regensburg, Univ. Regensburg
Classification: Likely pathogenic for Retinal dystrophy. Last evaluated: 2018-01-01. Review status: criteria provided, single submitter. Criteria: ACMG Guidelines, 2015. Collection method: clinical testing. Allele origin: germline. Affected: yes.

Natera, Inc.
Classification: Uncertain significance for Retinitis pigmentosa type 25. Last evaluated: 2021-09-21. Review status: no assertion criteria provided. Collection method: clinical testing. Allele origin: germline. Not counted in ClinVar's aggregate classification.

Literature cited by the submitters: PubMed 27353947 (cited by 3 submitters); PubMed 31213501 (cited by 3 submitters); PubMed 32037395 (cited by 3 submitters); PubMed 37734845 (cited by Labcorp Genetics (formerly Invitae), Labcorp); PubMed 20333770 (cited by Women's Health and Genetics/Laboratory Corporation of America, LabCorp); PubMed 36284460 (cited by Women's Health and Genetics/Laboratory Corporation of America, LabCorp and Institute of Human Genetics, Univ. Regensburg, Univ. Regensburg); PubMed 31964843 (cited by Institute of Human Genetics, Univ. Regensburg, Univ. Regensburg).

NM_001142800.2(EYS):c.8206G>C (p.Ala2736Pro)

Gene: EYS (EGF-like photoreceptor maintenance factor; minus strand). Cytogenetic location: 6q12.
Variant type: single nucleotide variant.
Coding change: c.8206G>C on transcript NM_001142800.2 (MANE Select); coding-DNA position 8206, G replaced by C.
Protein change: p.Ala2736Pro; replaces alanine 2736 with proline.
Molecular consequence: missense variant.
Genome position (GRCh38, 1-based): chr6:63,726,546, C>G on the plus strand (G>C on the coding strand, the complement: EYS is on the minus strand). VCF-style: chr6-63726546-C-G. GRCh37 (hg19) VCF-style: chr6-64436439-C-G.
Other names: c.8269G>C, p.Ala2757Pro (NM_001292009.2); short protein forms A2757P, A2736P.
Identifiers: ClinVar variation 867109 (VCV000867109.44), dbSNP rs1250317776, ClinGen allele CA364385803.